The following is an entry in ClinVar:

ClinVar aggregate classification (germline): Likely benign (1 of 4 stars; one submission).

Submission:

CeGaT Center for Human Genetics Tuebingen
Classification: Likely benign. Last evaluated: 2025-01-01. Review status: criteria provided, single submitter. Criteria: CeGaT Center For Human Genetics Tuebingen Variant Classification Criteria Version 2. Collection method: clinical testing. Allele origin: germline. Affected: yes. Observed: 1 variant allele.
Comment: ENSG00000226149: BS1

NM_000426.4(LAMA2):c.8076-31_8076-29del

Gene: LAMA2 (laminin subunit alpha 2; plus strand). Cytogenetic location: 6q22.33.
Variant type: Deletion.
Coding change: c.8076-31_8076-29del on transcript NM_000426.4 (MANE Select); 31 bases into the intron before coding-DNA position 8076 through 29 bases into the intron before coding-DNA position 8076, 3 bases deleted (TAA; older notation c.8076-31_8076-29delTAA).
Molecular consequence: intron variant.
Genome position (GRCh38, 1-based): chr6:129,492,284-129,492,286, TAA deleted; deleting any 3 consecutive bases within chr6:129,492,282-129,492,286 gives the same sequence; the c. name uses the placement nearest the transcript's 3' end. VCF-style (leftmost placement, unchanged base first): chr6-129492281-AAAT-A. GRCh37 (hg19) VCF-style: chr6-129813426-AAAT-A.
Other names: c.8064-31_8064-29del (NM_001079823.2).
Identifiers: ClinVar variation 3770823 (VCV003770823.13).